The following is an entry in ClinVar:

ClinVar aggregate classification (germline): Uncertain significance (1 of 4 stars; one submission).

Submission:

GeneDx
Classification: Uncertain significance. Last evaluated: 2025-11-07. Review status: criteria provided, single submitter. Criteria: GeneDx Variant Classification Process June 2021. Collection method: clinical testing. Allele origin: germline.
Comment: Not observed at significant frequency in large population cohorts (gnomAD); In silico analysis supports that this missense variant has a deleterious effect on protein structure/function; Has not been previously published as pathogenic or benign to our knowledge

NM_003410.4(ZFX):c.1327C>T (p.His443Tyr)

Gene: ZFX (zinc finger protein X-linked; plus strand). Cytogenetic location: Xp22.11.
Variant type: single nucleotide variant.
Coding change: c.1327C>T on transcript NM_003410.4 (MANE Select); coding-DNA position 1327, C replaced by T.
Protein change: p.His443Tyr; replaces histidine 443 with tyrosine.
Molecular consequence: missense variant. On other transcripts: 3 prime UTR variant (1).
Genome position (GRCh38, 1-based): chrX:24,210,285, C>T. VCF-style: chrX-24210285-C-T. GRCh37 (hg19) VCF-style: chrX-24228402-C-T.
Other names: c.1327C>T, p.His443Tyr (NM_001178084.2, NM_001178085.1); c.640C>T, p.His214Tyr (NM_001178086.2); c.*87C>T (NM_001178095.2); c.1444C>T, p.His482Tyr (NM_001330327.2); short protein forms H214Y, H443Y, H482Y.
Identifiers: ClinVar variation 3776325 (VCV003776325.2).